The following is an entry in ClinVar:

ClinVar aggregate classification (germline): Conflicting classifications of pathogenicity. Review status: criteria provided, conflicting classifications (1 of 4 stars). 8 submissions from 8 submitters: Uncertain significance (6); Likely benign (2). Last evaluated 2026-02-17.

Conditions:
Inborn genetic diseases. Identifiers: MedGen C0950123, MeSH D030342.
Autosomal recessive nonsyndromic hearing loss 66 (DFNB66). Also called: Deafness, autosomal recessive 66. Identifiers: Orphanet 90636, MedGen C1857750, MONDO:0012442, OMIM 610212.
Isolated neonatal sclerosing cholangitis (NSC). Also called: Sclerosing cholangitis, neonatal. Identifiers: Orphanet 480556, MedGen C4479344, MONDO:0018816, OMIM 617394.
DCDC2-related disorder. Also called: DCDC2-related condition.
Nephronophthisis 19 (NPHP19). Identifiers: Orphanet 84081, MedGen C4015542, MONDO:0014537, OMIM 616217.

Allele frequency attached by ClinVar (database versions not stated): 1000 Genomes Project 0.00020; TOPMed 0.00028; ExAC 0.00004; gnomAD 0.00013 and 0.00016; ESP Exome Variant Server 0.00015; 1000 Genomes Project 30x 0.00016.
gnomAD v4.1: 88 of 1,613,930 alleles (0.0055%); highest among the groups gnomAD compares: Admixed American, 0.062%; 1 homozygote.

Submissions (8):

PreventionGenetics, part of Exact Sciences
Classification: Uncertain significance for DCDC2-related condition. Last evaluated: 2026-02-17. Review status: criteria provided, single submitter. Criteria: ACMG Guidelines, 2015. Collection method: clinical testing. Allele origin: germline.
Comment: The DCDC2 c.1066G>A variant is predicted to result in the amino acid substitution p.Ala356Thr. To our knowledge, this variant has not been reported in the literature. This variant is reported in 0.017% of alleles in individuals of Latino descent in gnomAD. At this time, the clinical significance of this variant is uncertain due to the absence of conclusive functional and genetic evidence.

Blueprint Genetics
Classification: Likely benign. Last evaluated: 2024-10-23. Review status: criteria provided, single submitter. Criteria: ACMG Guidelines, 2015. Collection method: clinical testing. Allele origin: germline.

GeneDx
Classification: Uncertain significance. Last evaluated: 2024-06-21. Review status: criteria provided, single submitter. Criteria: GeneDx Variant Classification Process June 2021. Collection method: clinical testing. Allele origin: germline. Affected: yes.
Comment: In silico analysis indicates that this missense variant does not alter protein structure/function; Has not been previously published as pathogenic or benign to our knowledge

Fulgent Genetics
Classification: Uncertain significance for Autosomal recessive nonsyndromic hearing loss 66; Nephronophthisis 19; Isolated neonatal sclerosing cholangitis. Last evaluated: 2024-05-24. Review status: criteria provided, single submitter. Criteria: ACMG Guidelines, 2015. Collection method: clinical testing. Allele origin: germline.

CeGaT Center for Human Genetics Tuebingen
Classification: Likely benign. Last evaluated: 2024-03-01. Review status: criteria provided, single submitter. Criteria: CeGaT Center For Human Genetics Tuebingen Variant Classification Criteria Version 2. Collection method: clinical testing. Allele origin: germline. Affected: yes. Observed: 1 variant allele.
Comment: DCDC2: BP4

Ambry Genetics
Classification: Uncertain significance for Inborn genetic diseases. Last evaluated: 2023-11-27. Review status: criteria provided, single submitter. Criteria: Ambry Variant Classification Scheme 2023. Collection method: clinical testing. Allele origin: germline.

Labcorp Genetics (formerly Invitae), Labcorp
Classification: Uncertain significance for Autosomal recessive nonsyndromic hearing loss 66; Isolated neonatal sclerosing cholangitis. Last evaluated: 2021-08-26. Review status: criteria provided, single submitter. Criteria: Invitae Variant Classification Sherloc (09022015). Collection method: clinical testing. Allele origin: germline.
Comment: This sequence change replaces alanine with threonine at codon 356 of the DCDC2 protein (p.Ala356Thr). The alanine residue is weakly conserved and there is a small physicochemical difference between alanine and threonine. This variant is present in population databases (rs183480366, ExAC 0.02%). This variant has not been reported in the literature in individuals affected with DCDC2-related conditions. ClinVar contains an entry for this variant (Variation ID: 596110). Algorithms developed to predict the effect of missense changes on protein structure and function output the following: SIFT: "Tolerated"; PolyPhen-2: "Benign"; Align-GVGD: "Class C0". The threonine amino acid residue is found in multiple mammalian species, which suggests that this missense change does not adversely affect protein function. In summary, the available evidence is currently insufficient to determine the role of this variant in disease. Therefore, it has been classified as a Variant of Uncertain Significance.

Eurofins Ntd Llc (ga)
Classification: Uncertain significance. Last evaluated: 2018-02-14. Review status: criteria provided, single submitter. Criteria: EGL ClinVar v180209 classification definitions. Collection method: clinical testing. Allele origin: germline. Observed: 1 variant allele, 1 heterozygote.

NM_016356.5(DCDC2):c.1066G>A (p.Ala356Thr)

Gene: DCDC2 (doublecortin domain containing 2; minus strand). Cytogenetic location: 6p22.3.
Variant type: single nucleotide variant.
Coding change: c.1066G>A on transcript NM_016356.5 (MANE Select); coding-DNA position 1066, G replaced by A.
Protein change: p.Ala356Thr; replaces alanine 356 with threonine.
Molecular consequence: missense variant.
Genome position (GRCh38, 1-based): chr6:24,178,590, C>T on the plus strand (G>A on the coding strand, the complement: DCDC2 is on the minus strand). VCF-style: chr6-24178590-C-T. GRCh37 (hg19) VCF-style: chr6-24178818-C-T.
Other names: c.1066G>A (NM_016356.4, NM_016356.3); c.1066G>A, p.Ala356Thr (NM_001195610.2); short protein forms A356T.
Identifiers: ClinVar variation 596110 (VCV000596110.43), dbSNP rs183480366, ClinGen allele CA3654517.